The following is an entry in ClinVar:

ClinVar aggregate classification (germline): Likely benign. Review status: criteria provided, single submitter (1 of 4 stars). 2 submissions from 2 submitters: Likely benign (1). 1 of the submissions does not count toward it. Last evaluated 2023-09-17.

Conditions:
PCNT-related disorder. Also called: PCNT-related condition.

Allele frequency attached by ClinVar (database versions not stated): ESP Exome Variant Server 0.00008.
gnomAD v4.1: 2 of 1,606,574 alleles (0.00012%); highest among the groups gnomAD compares: Admixed American, 0.0017%; no homozygotes.

Submissions (2):

Labcorp Genetics (formerly Invitae), Labcorp
Classification: Likely benign. Last evaluated: 2023-09-17. Review status: criteria provided, single submitter. Criteria: Invitae Variant Classification Sherloc (09022015). Collection method: clinical testing. Allele origin: germline.

PreventionGenetics, part of Exact Sciences
Classification: Likely benign for PCNT-related condition. Last evaluated: 2022-10-28. Review status: no assertion criteria provided. Collection method: clinical testing. Allele origin: germline. Not counted in ClinVar's aggregate classification.
Comment: This variant is classified as likely benign based on ACMG/AMP sequence variant interpretation guidelines (Richards et al. 2015 PMID: 25741868, with internal and published modifications).

NM_006031.6(PCNT):c.4083G>C (p.Leu1361=)

Gene: PCNT (pericentrin; plus strand). Cytogenetic location: 21q22.3.
Variant type: single nucleotide variant.
Coding change: c.4083G>C on transcript NM_006031.6 (MANE Select); coding-DNA position 4083, G replaced by C.
Protein change: p.Leu1361=; no amino-acid change (leucine 1361 retained).
Molecular consequence: synonymous variant.
Genome position (GRCh38, 1-based): chr21:46,391,243, G>C. VCF-style: chr21-46391243-G-C. GRCh37 (hg19) VCF-style: chr21-47811158-G-C.
Other names: c.3729G>C, p.Leu1243= (NM_001315529.2); c.4083G>C (NM_006031.5).
Identifiers: ClinVar variation 1550476 (VCV001550476.9), dbSNP rs368626471, ClinGen allele CA322031136.
Genomic context (GRCh38, chr21:46,391,243, plus strand): 5'-GGTGGAGACAGCAGATCTGAAGGAGGTGCTGGCCGGGAAGGAGGATTCCGAGCACCGTCT[G>C]GTGCTGGAGCTGGAGAGCCTGAGACGGCAGCTGCAGCAGGCGGCCCAGGAGCAGGCGGCG-3'
Protein context (NP_006022.3, residues 1351-1371): LAGKEDSEHR[Leu1361=]VLELESLRRQ